The following is an entry in ClinVar:

ClinVar aggregate classification (germline): Uncertain significance (1 of 4 stars; one submission).

Allele frequency attached by ClinVar (database versions not stated): gnomAD exomes below 0.00001; TOPMed 0.00002; gnomAD 0.00003.

Submission:

Labcorp Genetics (formerly Invitae), Labcorp
Classification: Uncertain significance. Last evaluated: 2024-01-22. Review status: criteria provided, single submitter. Criteria: Invitae Variant Classification Sherloc (09022015). Collection method: clinical testing. Allele origin: germline.
Comment: This sequence change replaces tryptophan, which is neutral and slightly polar, with arginine, which is basic and polar, at codon 1095 of the DHX37 protein (p.Trp1095Arg). This variant is present in population databases (no rsID available, gnomAD 0.02%). This variant has not been reported in the literature in individuals affected with DHX37-related conditions. An algorithm developed to predict the effect of missense changes on protein structure and function (PolyPhen-2) suggests that this variant is likely to be disruptive. In summary, the available evidence is currently insufficient to determine the role of this variant in disease. Therefore, it has been classified as a Variant of Uncertain Significance.

NM_032656.4(DHX37):c.3283T>C (p.Trp1095Arg)

Gene: DHX37 (DEAH-box helicase 37; minus strand). Cytogenetic location: 12q24.31.
Variant type: single nucleotide variant.
Coding change: c.3283T>C on transcript NM_032656.4 (MANE Select); coding-DNA position 3283, T replaced by C.
Protein change: p.Trp1095Arg; replaces tryptophan 1095 with arginine.
Molecular consequence: missense variant.
Genome position (GRCh38, 1-based): chr12:124,949,993, A>G on the plus strand (T>C on the coding strand, the complement: DHX37 is on the minus strand). VCF-style: chr12-124949993-A-G. GRCh37 (hg19) VCF-style: chr12-125434539-A-G.
Other names: short protein forms W1095R.
Identifiers: ClinVar variation 2779405 (VCV002779405.3), dbSNP rs1294961771, ClinGen allele CA387216654.